The following is an entry in ClinVar:

NM_000051.4(ATM):c.7392_7394dup (p.Cys2464_Lys2465insAsn)

Genes: ATM (ATM serine/threonine kinase; plus strand), C11orf65 (chromosome 11 open reading frame 65; minus strand). Cytogenetic location: 11q22.3.
Variant type: Duplication.
Coding change: c.7392_7394dup on transcript NM_000051.4 (MANE Select); coding-DNA positions 7392 to 7394, 3 bases duplicated (TAA; older notation c.7392_7394dupTAA).
Protein change: p.Cys2464_Lys2465insAsn.
Molecular consequence: inframe insertion. On other transcripts: intron variant (2).
Genome position (GRCh38, 1-based): chr11:108,330,298-108,330,300, TAA duplicated. VCF-style (leftmost placement, unchanged base first): chr11-108330297-G-GTAA. GRCh37 (hg19) VCF-style: chr11-108201024-G-GTAA.
Other names: c.7392_7394dup, p.Cys2464_Lys2465insAsn (NM_001351834.2); c.641-21229_641-21227dup (NM_001330368.2); c.*38+4920_*38+4922dup (NM_001351110.2).
Identifiers: ClinVar variation 3655102 (VCV003655102.2).

ClinVar aggregate classification (germline): Uncertain significance (1 of 4 stars; one submission).

Conditions:
Ataxia-telangiectasia syndrome (AT). Also called: Ataxia-telangiectasia, complementation group D; AT, COMPLEMENTATION GROUP C; ATAXIA-TELANGIECTASIA, COMPLEMENTATION GROUP A; ATAXIA-TELANGIECTASIA, FRESNO VARIANT; Ataxia-telangiectasia; Ataxia-telangiectasia, complementation group E. Identifiers: Orphanet 100, MedGen C0004135, MONDO:0008840, OMIM 208900.

Submission:

Labcorp Genetics (formerly Invitae), Labcorp
Classification: Uncertain significance for Ataxia-telangiectasia syndrome. Last evaluated: 2024-05-31. Review status: criteria provided, single submitter. Criteria: Invitae Variant Classification Sherloc (09022015). Collection method: clinical testing. Allele origin: germline.
Comment: This variant, c.7392_7394dup, results in the insertion of 1 amino acid(s) of the ATM protein (p.Cys2464_Lys2465insAsn), but otherwise preserves the integrity of the reading frame. This variant is not present in population databases (gnomAD no frequency). This variant has not been reported in the literature in individuals affected with ATM-related conditions. In summary, the available evidence is currently insufficient to determine the role of this variant in disease. Therefore, it has been classified as a Variant of Uncertain Significance.